The following is an entry in ClinVar:

NM_212482.4(FN1):c.7165G>C (p.Asp2389His)

Genes: FN1 (fibronectin 1; minus strand), ATIC (5-aminoimidazole-4-carboxamide ribonucleotide formyltransferase/IMP cyclohydrolase; plus strand). Cytogenetic location: 2q35.
Variant type: single nucleotide variant.
Coding change: c.7165G>C on transcript NM_212482.4 (MANE Select); coding-DNA position 7165, G replaced by C.
Protein change: p.Asp2389His; replaces aspartic acid 2389 with histidine.
Molecular consequence: missense variant.
Genome position (GRCh38, 1-based): chr2:215,364,965, C>G on the plus strand (G>C on the coding strand, the complement: FN1 is on the minus strand). VCF-style: chr2-215364965-C-G. GRCh37 (hg19) VCF-style: chr2-216229688-C-G.
Other names: c.7072G>C, p.Asp2358His (NM_001306129.2); c.6535G>C, p.Asp2179His (NM_001306130.2); c.6529G>C, p.Asp2177His (NM_001306131.2); c.6454G>C, p.Asp2152His (NM_001306132.2); c.6895G>C, p.Asp2299His (NM_001365517.2); c.6892G>C, p.Asp2298His (NM_001365518.2); c.6820G>C, p.Asp2274His (NM_001365519.2); c.6817G>C, p.Asp2273His (NM_001365520.2); and 8 more; short protein forms D2242H, D2152H, D2267H, D2273H, D2274H, D2178H, D2179H, D2183H.
Identifiers: ClinVar variation 2097234 (VCV002097234.4), dbSNP rs752801107, ClinGen allele CA350462790.

ClinVar aggregate classification (germline): Uncertain significance (1 of 4 stars; one submission).

Submission:

Labcorp Genetics (formerly Invitae), Labcorp
Classification: Uncertain significance. Last evaluated: 2022-05-27. Review status: criteria provided, single submitter. Criteria: Invitae Variant Classification Sherloc (09022015). Collection method: clinical testing. Allele origin: germline.
Comment: In summary, the available evidence is currently insufficient to determine the role of this variant in disease. Therefore, it has been classified as a Variant of Uncertain Significance. Algorithms developed to predict the effect of missense changes on protein structure and function are either unavailable or do not agree on the potential impact of this missense change (SIFT: "Not Available"; PolyPhen-2: "Probably Damaging"; Align-GVGD: "Not Available"). This sequence change replaces aspartic acid, which is acidic and polar, with histidine, which is basic and polar, at codon 2389 of the FN1 protein (p.Asp2389His). This variant is not present in population databases (gnomAD no frequency). This variant has not been reported in the literature in individuals affected with FN1-related conditions.